The following is an entry in ClinVar:

NM_002299.4(LCT):c.4174-17T>C

Gene: LCT (lactase; minus strand). Cytogenetic location: 2q21.3.
Variant type: single nucleotide variant.
Coding change: c.4174-17T>C on transcript NM_002299.4 (MANE Select); 17 bases into the intron before coding-DNA position 4174, T replaced by C.
Molecular consequence: intron variant.
Genome position (GRCh38, 1-based): chr2:135,805,074, A>G on the plus strand (T>C on the coding strand, the complement: LCT is on the minus strand). VCF-style: chr2-135805074-A-G. GRCh37 (hg19) VCF-style: chr2-136562644-A-G.
Identifiers: ClinVar variation 4775154 (VCV004775154.1).
Genomic context (GRCh38, chr2:135,805,074, plus strand): 5'-CAAATGCTGAGTCCTTTGCCATCTGCTCTCCACGCACCTTCAATCTCAAGATGACAAGAC[A>G]TGGTCTTATTAAGTCATTCAGTCAAGCACTCACAGCCTCCTTTCTTTCACTGGGTGAGTC-3'

ClinVar aggregate classification (germline): Uncertain significance (1 of 4 stars; one submission).

gnomAD v4.1: 9 of 1,613,156 alleles (0.00056%); highest among the groups gnomAD compares: African/African-American, 0.0013%; no homozygotes.

Submission:

Labcorp Genetics (formerly Invitae), Labcorp
Classification: Uncertain significance. Last evaluated: 2026-01-07. Review status: criteria provided, single submitter. Criteria: Invitae Variant Classification Sherloc (09022015). Collection method: clinical testing. Allele origin: germline.
Comment: This sequence change falls in intron 9 of the LCT gene. It does not directly change the encoded amino acid sequence of the LCT protein. This variant is not present in population databases (gnomAD no frequency). This variant has not been reported in the literature in individuals affected with LCT-related conditions. Algorithms developed to predict the effect of sequence changes on RNA splicing suggest that this variant may disrupt the consensus splice site. In summary, the available evidence is currently insufficient to determine the role of this variant in disease. Therefore, it has been classified as a Variant of Uncertain Significance.